The following is an entry in ClinVar:

ClinVar aggregate classification (germline): Likely benign. Review status: criteria provided, multiple submitters, no conflicts (2 of 4 stars). 2 submissions from 2 submitters: Likely benign (2). Last evaluated 2022-06-01.

Allele frequency attached by ClinVar (database versions not stated): gnomAD exomes 0.00007; ExAC 0.00015; gnomAD 0.00019; TOPMed 0.00022; ESP Exome Variant Server 0.00041.
gnomAD v4.1: 136 of 1,590,778 alleles (0.0085%); highest among the groups gnomAD compares: African/African-American, 0.033%; 1 homozygote.

Submissions (2):

CeGaT Center for Human Genetics Tuebingen
Classification: Likely benign. Last evaluated: 2022-06-01. Review status: criteria provided, single submitter. Criteria: CeGaT Center For Human Genetics Tuebingen Variant Classification Criteria Version 2. Collection method: clinical testing. Allele origin: germline. Affected: yes. Observed: 1 variant allele.
Comment: DSCAM: PP2, BS2

Breakthrough Genomics
Classification: Likely benign. Review status: criteria provided, single submitter. Criteria: ACMG Guidelines, 2015. Collection method: not provided. Allele origin: germline. Inheritance: Unknown mechanism. Affected: yes.

NM_001389.5(DSCAM):c.4043C>T (p.Thr1348Met)

Gene: DSCAM (DS cell adhesion molecule; minus strand). Cytogenetic location: 21q22.2.
Variant type: single nucleotide variant.
Coding change: c.4043C>T on transcript NM_001389.5 (MANE Select); coding-DNA position 4043, C replaced by T.
Protein change: p.Thr1348Met; replaces threonine 1348 with methionine.
Molecular consequence: missense variant. On other transcripts: non-coding transcript variant (1).
Genome position (GRCh38, 1-based): chr21:40,085,691, G>A on the plus strand (C>T on the coding strand, the complement: DSCAM is on the minus strand). VCF-style: chr21-40085691-G-A. GRCh37 (hg19) VCF-style: chr21-41457618-G-A.
Other names: c.4043C>T, p.Thr1348Met (NM_001271534.3, NM_206887.1); short protein forms T1348M.
Identifiers: ClinVar variation 2652670 (VCV002652670.25), dbSNP rs202003617, ClinGen allele CA10030762.